The following is an entry in ClinVar:

NM_001365276.2(TNXB):c.1259T>A (p.Val420Glu)

Gene: TNXB (tenascin XB; minus strand). Cytogenetic location: 6p21.33.
Variant type: single nucleotide variant.
Coding change: c.1259T>A on transcript NM_001365276.2 (MANE Select); coding-DNA position 1259, T replaced by A.
Protein change: p.Val420Glu; replaces valine 420 with glutamic acid.
Molecular consequence: missense variant.
Genome position (GRCh38, 1-based): chr6:32,096,594, A>T on the plus strand (T>A on the coding strand, the complement: TNXB is on the minus strand). VCF-style: chr6-32096594-A-T. GRCh37 (hg19) VCF-style: chr6-32064371-A-T.
Other names: c.1259T>A, p.Val420Glu (NM_019105.8); short protein forms V420E.
Identifiers: ClinVar variation 1762601 (VCV001762601.6), dbSNP rs200226242, ClinGen allele CA3735710.
Genomic context (GRCh38, chr6:32,096,594, plus strand): 5'-CTACAGTCGCGTGGGCAGGCGCGCGAGCCGCAATCGGTTCCAGTGTACCCCGGCCAGCAC[A>T]CGCAGCGGCCGTCCTCGCAGCGGCCCCTTTGGTTGCAGTCGCCAGGGCAGCTGCGCACGC-3'
Protein context (NP_001352205.1, residues 410-430): QRGRCEDGRC[Val420Glu]CWPGYTGTDC

ClinVar aggregate classification (germline): Uncertain significance. Review status: criteria provided, multiple submitters, no conflicts (2 of 4 stars). 2 submissions from 2 submitters: Uncertain significance (2). Last evaluated 2026-07-10.

Conditions:
Cardiovascular phenotype. Identifiers: MedGen CN230736.

gnomAD v4.1: 36 of 1,586,066 alleles (0.0023%); highest among the groups gnomAD compares: Middle Eastern, 0.033%; no homozygotes.

Submissions (2):

GeneDx
Classification: Uncertain significance. Last evaluated: 2026-07-10. Review status: criteria provided, single submitter. Criteria: GeneDx Variant Classification Process June 2021. Collection method: clinical testing. Allele origin: germline.
Comment: In silico analysis supports that this missense variant has a deleterious effect on protein structure/function; Has not been previously published as pathogenic or benign to our knowledge

Ambry Genetics
Classification: Uncertain significance for Cardiovascular phenotype. Last evaluated: 2024-12-28. Review status: criteria provided, single submitter. Criteria: Ambry Variant Classification Scheme 2023. Collection method: clinical testing. Allele origin: germline.
Comment: The p.V420E variant (also known as c.1259T>A), located in coding exon 2 of the TNXB gene, results from a T to A substitution at nucleotide position 1259. The valine at codon 420 is replaced by glutamic acid, an amino acid with dissimilar properties. This amino acid position is not well conserved in available vertebrate species, and glutamic acid is the reference amino acid in other vertebrate species. In addition, this alteration is predicted to be tolerated by in silico analysis. Since supporting evidence is limited at this time, the clinical significance of this alteration remains unclear.